The following is an entry in ClinVar:

NM_000178.4(GSS):c.4del (p.Ala2fs)

Gene: GSS (glutathione synthetase; minus strand). Cytogenetic location: 20q11.22.
Variant type: Deletion.
Coding change: c.4del on transcript NM_000178.4 (MANE Select); coding-DNA position 4, one base deleted (G; older notation c.4delG).
Protein change: p.Ala2fs; shifts the reading frame from alanine 2.
Molecular consequence: frameshift variant, initiator codon variant.
Genome position (GRCh38, 1-based): chr20:34,951,849, C deleted on the plus strand (G on the coding strand, the reverse complement: GSS is on the minus strand); the first of 2 consecutive C bases (chr20:34,951,849-34,951,850); deleting either gives the same sequence. VCF-style (leftmost placement, unchanged base first): chr20-34951848-GC-G. GRCh37 (hg19) VCF-style: chr20-33539651-GC-G.
Other names: c.4del, p.Ala2fs (NM_001322494.1, NM_001322495.1, LRG_1168t1); c.4del (NM_000178.3); short protein forms A2fs.
Identifiers: ClinVar variation 338302 (VCV000338302.22), dbSNP rs752560204, ClinGen allele CA9826205.

ClinVar aggregate classification (germline): Pathogenic/Likely pathogenic. Review status: criteria provided, multiple submitters, no conflicts (2 of 4 stars). 7 submissions from 7 submitters: Pathogenic (5); Likely pathogenic (1). 1 of the submissions does not count toward it. Last evaluated 2026-01-28.

Conditions:
Inherited glutathione synthetase deficiency. Identifiers: Orphanet 32, MedGen C5979912, MONDO:0017909.
Glutathione synthetase deficiency with 5-oxoprolinuria. Also called: Gluthathione synthetase deficiency; 5-OXOPROLINURIA DUE TO GLUTATHIONE SYNTHETASE DEFICIENCY; Reduced glutathione synthetase level; PYROGLUTAMIC ACIDURIA; 5-Oxoprolinuria. Identifiers: Orphanet 289846, MedGen C0398746, MONDO:0009947, OMIM 266130, HP:0003343.
Glutathione synthetase deficiency without 5-oxoprolinuria. Also called: ANEMIA, CONGENITAL, NONSPHEROCYTIC HEMOLYTIC, 6. Identifiers: Orphanet 289849, Orphanet 32, MedGen C1856399, MONDO:0009284, OMIM 231900.

Submissions (7):

Labcorp Genetics (formerly Invitae), Labcorp
Classification: Pathogenic for Glutathione synthetase deficiency with 5-oxoprolinuria. Last evaluated: 2026-01-28. Review status: criteria provided, single submitter. Criteria: Invitae Variant Classification Sherloc (09022015). Collection method: clinical testing. Allele origin: germline.
Comment: This sequence change creates a premature translational stop signal (p.Ala2Profs*14) in the GSS gene. It is expected to result in an absent or disrupted protein product. Loss-of-function variants in GSS are known to be pathogenic (PMID: 12638941, 15717202). This variant is present in population databases (rs752560204, gnomAD 0.5%). This premature translational stop signal has been observed in individual(s) with gluthathione synthetase deficiency (PMID: 8896573). In at least one individual the data is consistent with being in trans (on the opposite chromosome) from a pathogenic variant. It has also been observed to segregate with disease in related individuals. ClinVar contains an entry for this variant (Variation ID: 338302). For these reasons, this variant has been classified as Pathogenic.

Revvity Omics, Revvity
Classification: Pathogenic. Last evaluated: 2024-09-11. Review status: criteria provided, single submitter. Criteria: ACMG Guidelines, 2015. Collection method: clinical testing. Allele origin: germline.

Genetic Services Laboratory, University of Chicago
Classification: Pathogenic. Last evaluated: 2024-08-27. Review status: criteria provided, single submitter. Criteria: ACMG Guidelines, 2015. Collection method: clinical testing. Allele origin: germline. Affected: yes.
Comment: DNA sequence analysis of the GSS gene demonstrated a single base pair deletion in exon 2, c.4del. This sequence change results in an amino acid frameshift and creates a premature stop codon 13 amino acids downstream of the change, p.Ala2Profs*14. This sequence change is predicted to result in an abnormal transcript, which may be degraded, or may lead to the production of a truncated GSS protein with potentially abnormal function. This sequence change has been described in the gnomAD database with a frequency of 0.47% in the Ashkenazi Jewishsubpopulation (dbSNP rs752560204). This sequence change has previously been described in two affected siblings with gluthathione synthetase deficiency, metabolic acidosis, haemolytic anaemia and intellectual disability (PMID: 8896573). Additionally, functional studies in E. coli and yeast demonstrate that the variant results in reduced expression and GSS activity compared to wild type. Other loss of function variants in the GSS gene have been described in several individuals with GSS-related disorders (PMID: 12638941, 15717202). DNA sequence analysis of the GP9 gene demonstrated a sequence change, c.182A>G, in exon 3 that results in an amino acid change, p.Asn61Ser. The p.Asn61Ser change affects a highly conserved amino acid residue located in a domain of the GP9 protein that is not known to be functional. The p.Asn61Ser substitution appears to be deleterious using several in-silico pathogenicity prediction tools (SIFT, PolyPhen2, Align GVGD, REVEL). This pathogenic sequence change has previously been described in the homozygous or compound heterozygous state in several individuals with Bernard-Soulier syndrome and was found to segregate with disease in multiple families (PMID: 8481514, 28131619, 31064749, 28765788, 33553065). This sequence change has been described in the gnomAD database with a frequency of 0.05% in the overall population (dbSNP rs5030764). Collectively, this evidence indicates that this sequence change is likely pathogenic.

Fulgent Genetics
Classification: Pathogenic for Glutathione synthetase deficiency without 5-oxoprolinuria; Glutathione synthetase deficiency with 5-oxoprolinuria. Last evaluated: 2024-06-10. Review status: criteria provided, single submitter. Criteria: ACMG Guidelines, 2015. Collection method: clinical testing. Allele origin: germline.

Department of Pathology and Laboratory Medicine, Sinai Health System
Classification: Likely pathogenic for Glutathione synthetase deficiency without 5-oxoprolinuria; Glutathione synthetase deficiency with 5-oxoprolinuria. Last evaluated: 2023-05-23. Review status: criteria provided, single submitter. Criteria: ACMG Guidelines, 2015. Collection method: research. Allele origin: germline.

Women's Health and Genetics/Laboratory Corporation of America, LabCorp
Classification: Pathogenic for Inherited glutathione synthetase deficiency. Last evaluated: 2016-09-29. Review status: criteria provided, single submitter. Criteria: LabCorp Variant Classification Summary - May 2015. Collection method: clinical testing. Allele origin: germline.
Comment: Variant summary: The c.4delG (p.Ala2Profs) variant in GSS gene is a nonsense change that results in the loss of the 460 amino acids of GSS (~98%). This change is predicted to cause loss of normal protein function through protein truncation or nonsense-mediated mRNA decay. The results of functional showed less than 10% GSS activity in pts fibroblasts as well as in bacterial expression system. . The variant is present in the large control population dataset of ExAC at a low frequency 0.0002 (25/120304 chrs tested), exclusively in individuals of European descent (0.00038; 15/66140).The latter frequency does not exceed the maximal expected frequency of a pathogenic allele (0.003) in this gene. The variant of interest has been reported in two brothers presented with oxoprolinuria, metabolic acidosis, haemolytic anemia and mental retardation. Taking together, the variant was classified as Pathogenic.

OMIM
Classification: Pathogenic for GLUTATHIONE SYNTHETASE DEFICIENCY. Last evaluated: 1996-11-01. Review status: no assertion criteria provided. Collection method: literature only. Allele origin: germline. Not counted in ClinVar's aggregate classification.

Literature cited by the submitters: PubMed 12638941 (cited by Labcorp Genetics (formerly Invitae), Labcorp); PubMed 15717202 (cited by Labcorp Genetics (formerly Invitae), Labcorp); PubMed 8896573 (cited by 3 submitters).